The following is an entry in ClinVar:

NM_001291415.2(KDM6A):c.3886del (p.Thr1297fs)

Gene: KDM6A (lysine demethylase 6A; plus strand). Cytogenetic location: Xp11.3.
Variant type: Deletion.
Coding change: c.3886del on transcript NM_001291415.2 (MANE Select); coding-DNA position 3886, one base deleted (C; older notation c.3886delC).
Protein change: p.Thr1297fs; shifts the reading frame from threonine 1297.
Molecular consequence: frameshift variant. On other transcripts: non-coding transcript variant (1).
Genome position (GRCh38, 1-based): chrX:45,089,924, C deleted. VCF-style (leftmost placement, unchanged base first): chrX-45089923-AC-A. GRCh37 (hg19) VCF-style: chrX-44949168-AC-A.
Other names: c.3751del, p.Thr1252fs (NM_001291416.2, NM_001419811.1); c.3595del, p.Thr1200fs (NM_001291417.2); c.3493del, p.Thr1166fs (NM_001291418.2, NM_001419815.1); c.2842del, p.Thr949fs (NM_001291421.2); c.3628del, p.Thr1211fs (NM_001410742.1, NM_001419814.1); c.3886del, p.Thr1297fs (NM_001419809.1); c.3784del, p.Thr1263fs (NM_001419810.1, NM_001419813.1); c.3730del, p.Thr1245fs (NM_001419812.1, NM_021140.4); short protein forms T1166fs, T1200fs, T1211fs, T1245fs, T1252fs, T1263fs, T1297fs, T949fs.
Identifiers: ClinVar variation 3382374 (VCV003382374.2).
Genomic context (GRCh38, chrX:45,089,923, plus strand): 5'-CACTGTTCATTGGGTTCAGGCTATTGGCTGGTGCAACAACATTGCTTGGAATGTTGGTCC[AC>A]TTACAGGTATTATAAAGAATATGCTTTAAAAAAGTTAATTTATAAAGGATTATATCCAAT-3'

ClinVar aggregate classification (germline): Pathogenic (1 of 4 stars; one submission).

Conditions:
Kabuki syndrome 2 (KABUK2). Also called: KDM6A-Related Kabuki Syndrome. Identifiers: Orphanet 2322, MedGen C3275495, MONDO:0010465, OMIM 300867.

Submission:

Juno Genomics, Hangzhou Juno Genomics, Inc
Classification: Pathogenic for Kabuki syndrome 2. Review status: criteria provided, single submitter. Criteria: ACMG Guidelines, 2015. Collection method: clinical testing. Allele origin: germline. Affected: yes.
Comment: Absent from controls (or at extremely low frequency if recessive) in Genome Aggregation Database, Exome Sequencing Project, 1000 Genomes Project, or Exome Aggregation Consortium.;Null variant in a gene where loss of function (LOF) is a known mechanism of disease.;Patient's phenotype or family history is highly specific for a disease with a single genetic etiology.